The following is an entry in ClinVar:

ClinVar aggregate classification (germline): Likely pathogenic (1 of 4 stars; one submission).

Conditions:
Hereditary cancer-predisposing syndrome. Also called: Neoplastic Syndromes, Hereditary; Tumor predisposition; Hereditary Cancer Syndrome; Hereditary neoplastic syndrome. Identifiers: Orphanet 140162, MedGen C0027672, MeSH D009386, MONDO:0015356.

Submission:

Ambry Genetics
Classification: Likely pathogenic for Hereditary cancer-predisposing syndrome. Last evaluated: 2026-07-08. Review status: criteria provided, single submitter. Criteria: Ambry Variant Classification Scheme 2023. Collection method: clinical testing. Allele origin: germline.
Comment: The p.Q439P variant (also known as c.1316A>C), located in coding exon 9 of the FH gene, results from an A to C substitution at nucleotide position 1316. The glutamine at codon 439 is replaced by proline, an amino acid with similar properties. This variant was reported in individual(s) with features consistent with FH-related tumor disposition (Wei MH et al. J Med Genet, 2006 Jan;43:18-27; Ambry internal data). Of note, this alteration is designated as Q396P (1187A>C) in the literature. This amino acid position is well conserved in available vertebrate species. In addition, this alteration is predicted to be deleterious by in silico analysis. Based on the majority of available evidence to date, this variant is likely to be pathogenic.

Literature cited by the submitters: PubMed 15937070.

NM_000143.4(FH):c.1316A>C (p.Gln439Pro)

Gene: FH (fumarate hydratase; minus strand). Cytogenetic location: 1q43.
Variant type: single nucleotide variant.
Coding change: c.1316A>C on transcript NM_000143.4 (MANE Select); coding-DNA position 1316, A replaced by C.
Protein change: p.Gln439Pro; replaces glutamine 439 with proline.
Molecular consequence: missense variant.
Genome position (GRCh38, 1-based): chr1:241,500,511, T>G on the plus strand (A>C on the coding strand, the complement: FH is on the minus strand). VCF-style: chr1-241500511-T-G. GRCh37 (hg19) VCF-style: chr1-241663811-T-G.
Other names: short protein forms Q439P.
Identifiers: ClinVar variation 3230435 (VCV003230435.3), dbSNP rs1553340690, ClinGen allele CA320930.